The following is an entry in ClinVar:

NM_000038.6(APC):c.6579dup (p.Val2194fs)

Gene: APC (APC regulator of Wnt signaling pathway; plus strand). Cytogenetic location: 5q22.2.
Variant type: Duplication.
Coding change: c.6579dup on transcript NM_000038.6 (MANE Select); coding-DNA position 6579, one base duplicated (A; older notation c.6579dupA).
Protein change: p.Val2194fs; shifts the reading frame from valine 2194.
Molecular consequence: frameshift variant. On other transcripts: non-coding transcript variant (2).
Genome position (GRCh38, 1-based): chr5:112,842,173, A duplicated; the last of 7 consecutive A bases (chr5:112,842,167-112,842,173); duplicating any one gives the same sequence. VCF-style (leftmost placement, unchanged base first): chr5-112842166-G-GA. GRCh37 (hg19) VCF-style: chr5-112177863-G-GA.
Other names: c.6579dup, p.Val2194fs (NM_001127510.3, NM_001354895.2, NM_001407450.1); c.6525dup, p.Val2176fs (NM_001127511.3); c.6633dup, p.Val2212fs (NM_001354896.2, NM_001407447.1, NM_001407448.1 and 1 more transcripts); c.6609dup, p.Val2204fs (NM_001354897.2); c.6504dup, p.Val2169fs (NM_001354898.2); c.6495dup, p.Val2166fs (NM_001354899.2); c.6456dup, p.Val2153fs (NM_001354900.2); c.6402dup, p.Val2135fs (NM_001354901.2, NM_001407453.1); and 12 more; short protein forms V1810fs, V1911fs, V2034fs, V2065fs, V2068fs, V2093fs, V2103fs, V2111fs.
Identifiers: ClinVar variation 2584293 (VCV002584293.2), dbSNP rs775076289, ClinGen allele CA645544003.
Genomic context (GRCh38, chr5:112,842,166, plus strand): 5'-GGGAGAAAAGTACATTGGAAACTAAAAAGATAGAATCTGAAAGTAAAGGAATCAAAGGAG[G>GA]AAAAAAAGTTTATAAAAGTTTGATTACTGGAAAAGTTCGATCTAATTCAGAAATTTCAGG-3'

ClinVar aggregate classification (germline): Pathogenic/Likely pathogenic. Review status: criteria provided, multiple submitters, no conflicts (2 of 4 stars). 2 submissions from 2 submitters: Pathogenic (1); Likely pathogenic (1). Last evaluated 2026-08-04.

Conditions:
Familial adenomatous polyposis 1 (FAP1). Also called: FAMILIAL ADENOMATOUS POLYPOSIS 1, ATTENUATED; POLYPOSIS, ADENOMATOUS INTESTINAL. Identifiers: MedGen C2713442, MONDO:0021056, OMIM 175100. Disease mechanism: loss of function.
Hereditary cancer-predisposing syndrome. Also called: Hereditary neoplastic syndrome; Hereditary Cancer Syndrome; Neoplastic Syndromes, Hereditary; Tumor predisposition. Identifiers: Orphanet 140162, MedGen C0027672, MeSH D009386, MONDO:0015356.

Submissions (2):

Ambry Genetics
Classification: Likely pathogenic for Hereditary cancer-predisposing syndrome. Last evaluated: 2026-08-04. Review status: criteria provided, single submitter. Criteria: Ambry Variant Classification Scheme 2023. Collection method: clinical testing. Allele origin: germline.
Comment: The c.6579dupA variant, located in coding exon 15 of the APC gene, results from a duplication of A at nucleotide position 6579, causing a translational frameshift with a predicted alternate stop codon (p.V2194Sfs*3). This variant occurs at the 3' terminus of the gene, is not expected to trigger nonsense-mediated mRNA decay, and impacts the last 23% of the protein. However, premature stop codons are typically deleterious in nature and a significant portion of the protein is affected (Ambry internal data). This variant is considered to be rare based on population cohorts in the Genome Aggregation Database (gnomAD). Based on the majority of available evidence to date, this variant is likely to be pathogenic.

Myriad Genetics, Inc.
Classification: Pathogenic for Familial adenomatous polyposis 1. Last evaluated: 2023-05-16. Review status: criteria provided, single submitter. Criteria: Myriad Autosomal Dominant, Autosomal Recessive and X-Linked Classification Criteria (2023). Collection method: clinical testing. Allele origin: unknown.
Comment: This variant is considered pathogenic. This variant creates a frameshift predicted to result in premature protein truncation.